The following is an entry in ClinVar:

ClinVar aggregate classification (germline): Likely benign. Review status: criteria provided, multiple submitters, no conflicts (2 of 4 stars). 7 submissions from 7 submitters: Likely benign (5). 2 of the submissions do not count toward it. Last evaluated 2026-01-20.

Conditions:
Inborn genetic diseases. Identifiers: MedGen C0950123, MeSH D030342.

Allele frequency attached by ClinVar (database versions not stated): ExAC 0.00014; TOPMed 0.00014; 1000 Genomes Project 30x 0.00016; gnomAD 0.00017; gnomAD exomes 0.00018; 1000 Genomes Project 0.00020; ESP Exome Variant Server 0.00038.
gnomAD v4.1: 510 of 1,613,128 alleles (0.032%); highest among the groups gnomAD compares: Non-Finnish European, 0.042%; no homozygotes.

Submissions (7):

Labcorp Genetics (formerly Invitae), Labcorp
Classification: Likely benign. Last evaluated: 2026-01-20. Review status: criteria provided, single submitter. Criteria: Invitae Variant Classification Sherloc (09022015). Collection method: clinical testing. Allele origin: germline.

CeGaT Center for Human Genetics Tuebingen
Classification: Likely benign. Last evaluated: 2025-07-01. Review status: criteria provided, single submitter. Criteria: CeGaT Center For Human Genetics Tuebingen Variant Classification Criteria Version 2. Collection method: clinical testing. Allele origin: germline. Affected: yes. Observed: 1 variant allele.
Comment: COL9A1: BP4, BP7

Ambry Genetics
Classification: Likely benign for Inborn genetic diseases. Last evaluated: 2024-12-03. Review status: criteria provided, single submitter. Criteria: Ambry Variant Classification Scheme 2023. Collection method: clinical testing. Allele origin: germline.

Blueprint Genetics
Classification: Likely benign. Last evaluated: 2023-09-06. Review status: criteria provided, single submitter. Criteria: ACMG Guidelines, 2015. Collection method: clinical testing. Allele origin: germline.

GeneDx
Classification: Likely benign. Last evaluated: 2021-09-13. Review status: criteria provided, single submitter. Criteria: GeneDx Variant Classification Process June 2021. Collection method: clinical testing. Allele origin: germline. Affected: yes.

Clinical Genetics DNA and cytogenetics Diagnostics Lab, Erasmus MC, Erasmus Medical Center
Classification: Likely benign. Review status: no assertion criteria provided. Collection method: clinical testing. Allele origin: germline. Affected: yes. Study: VKGL Data-share Consensus. Not counted in ClinVar's aggregate classification.

Clinical Genetics, Academic Medical Center
Classification: Benign. Review status: no assertion criteria provided. Collection method: clinical testing. Allele origin: germline. Affected: yes. Study: VKGL Data-share Consensus. Not counted in ClinVar's aggregate classification.

NM_001851.6(COL9A1):c.831C>A (p.Pro277=)

Gene: COL9A1 (collagen type IX alpha 1 chain; minus strand). Cytogenetic location: 6q13.
Variant type: single nucleotide variant.
Coding change: c.831C>A on transcript NM_001851.6 (MANE Select); coding-DNA position 831, C replaced by A.
Protein change: p.Pro277=; no amino-acid change (proline 277 retained).
Molecular consequence: synonymous variant. On other transcripts: non-coding transcript variant (1).
Genome position (GRCh38, 1-based): chr6:70,281,435, G>T on the plus strand (C>A on the coding strand, the complement: COL9A1 is on the minus strand). VCF-style: chr6-70281435-G-T. GRCh37 (hg19) VCF-style: chr6-70991138-G-T.
Other names: c.102C>A, p.Pro34= (NM_001377289.1, NM_001377290.1, NM_078485.4); c.831C>A, p.Pro277= (NM_001377291.1).
Identifiers: ClinVar variation 518165 (VCV000518165.25), dbSNP rs145800598, ClinGen allele CA3882647.